The following is an entry in ClinVar:

ClinVar aggregate classification (germline): Uncertain significance (1 of 4 stars; one submission).

Conditions:
Severe X-linked myotubular myopathy (CNMX). Also called: MYOTUBULAR MYOPATHY 1; X-linked centronuclear myopathy; Myotubular myopathy, X-linked. Identifiers: Orphanet 596, MedGen C0410203, MONDO:0010683, OMIM 310400.

Submission:

Labcorp Genetics (formerly Invitae), Labcorp
Classification: Uncertain significance for Severe X-linked myotubular myopathy. Last evaluated: 2024-05-19. Review status: criteria provided, single submitter. Criteria: Invitae Variant Classification Sherloc (09022015). Collection method: clinical testing. Allele origin: germline.
Comment: This sequence change replaces threonine, which is neutral and polar, with alanine, which is neutral and non-polar, at codon 477 of the MTM1 protein (p.Thr477Ala). This variant is not present in population databases (gnomAD no frequency). This variant has not been reported in the literature in individuals affected with MTM1-related conditions. ClinVar contains an entry for this variant (Variation ID: 948323). Advanced modeling of protein sequence and biophysical properties (such as structural, functional, and spatial information, amino acid conservation, physicochemical variation, residue mobility, and thermodynamic stability) performed at Invitae indicates that this missense variant is expected to disrupt MTM1 protein function with a positive predictive value of 95%. In summary, the available evidence is currently insufficient to determine the role of this variant in disease. Therefore, it has been classified as a Variant of Uncertain Significance.

NM_000252.3(MTM1):c.1429A>G (p.Thr477Ala)

Gene: MTM1 (myotubularin 1; plus strand). Cytogenetic location: Xq28.
Variant type: single nucleotide variant.
Coding change: c.1429A>G on transcript NM_000252.3 (MANE Select); coding-DNA position 1429, A replaced by G.
Protein change: p.Thr477Ala; replaces threonine 477 with alanine.
Molecular consequence: missense variant.
Genome position (GRCh38, 1-based): chrX:150,660,446, A>G. VCF-style: chrX-150660446-A-G. GRCh37 (hg19) VCF-style: chrX-149828919-A-G.
Other names: c.1429A>G, p.Thr477Ala (NM_001376906.1, NM_001376908.1); c.1318A>G, p.Thr440Ala (NM_001376907.1); short protein forms T477A, T440A.
Identifiers: ClinVar variation 948323 (VCV000948323.10), dbSNP rs2040200948, ClinGen allele CA415259744.